The following is an entry in ClinVar:

NM_001114753.3(ENG):c.263del (p.Asn88fs)

Gene: ENG (endoglin; minus strand). Cytogenetic location: 9q34.11.
Variant type: Deletion.
Coding change: c.263del on transcript NM_001114753.3 (MANE Select); coding-DNA position 263, one base deleted (A; older notation c.263delA).
Protein change: p.Asn88fs; shifts the reading frame from asparagine 88.
Molecular consequence: frameshift variant. On other transcripts: 5 prime UTR variant (1).
Genome position (GRCh38, 1-based): chr9:127,829,784, T deleted on the plus strand (A on the coding strand, the reverse complement: ENG is on the minus strand); the first of 4 consecutive T bases (chr9:127,829,784-127,829,787); deleting any one gives the same sequence. VCF-style (leftmost placement, unchanged base first): chr9-127829783-AT-A. GRCh37 (hg19) VCF-style: chr9-130592062-AT-A.
Other names: c.260delA, p.Asn88Metfs (NM_000118.4, NM_001406715.1); c.-284del (NM_001278138.2); short protein forms N88fs.
Identifiers: ClinVar variation 1794174 (VCV001794174.2), dbSNP rs2539083269, ClinGen allele CA2580079585.

ClinVar aggregate classification (germline): Pathogenic (1 of 4 stars; one submission).

Conditions:
Cardiovascular phenotype. Identifiers: MedGen CN230736.

Submission:

Ambry Genetics
Classification: Pathogenic for Cardiovascular phenotype. Last evaluated: 2017-08-15. Review status: criteria provided, single submitter. Criteria: Ambry Variant Classification Scheme 2023. Collection method: clinical testing. Allele origin: germline.
Comment: The c.263delA pathogenic mutation, located in coding exon 3 of the ENG gene, results from a deletion of one nucleotide at nucleotide position 263, causing a translational frameshift with a predicted alternate stop codon (p.N88Mfs*14). This mutation was identified in one individual with a clinical diagnosis of hereditary hemorrhagic telangiectasia (Letteboer TG et al. Hum. Genet., 2005 Jan;116:8-16). In addition to the clinical data presented in the literature, this alteration is expected to result in loss of function by premature protein truncation or nonsense-mediated mRNA decay. As such, this alteration is interpreted as a disease-causing mutation. This nucleotide position is conserved on limited sequence alignment.

Literature cited by the submitters: PubMed 15517393.